The following is an entry in ClinVar:

ClinVar aggregate classification (germline): Uncertain significance. Review status: criteria provided, multiple submitters, no conflicts (2 of 4 stars). 5 submissions from 5 submitters: Uncertain significance (4). 1 of the submissions does not count toward it. Last evaluated 2026-01-16.

Conditions:
Congenital lactic acidosis, Saguenay-Lac-Saint-Jean type (MC4DN5). Also called: CYTOCHROME c OXIDASE DEFICIENCY, FRENCH CANADIAN TYPE; COX DEFICIENCY, FRENCH CANADIAN TYPE; MITOCHONDRIAL COMPLEX IV DEFICIENCY, NUCLEAR TYPE 5. Identifiers: Orphanet 70472, MedGen C1857355, MONDO:0009069, OMIM 220111.

gnomAD v4.1: 27 of 1,609,492 alleles (0.0017%); highest among the groups gnomAD compares: African/African-American, 0.0027%; no homozygotes.

Submissions (5):

GeneDx
Classification: Uncertain significance. Last evaluated: 2026-01-16. Review status: criteria provided, single submitter. Criteria: GeneDx Variant Classification Process June 2021. Collection method: clinical testing. Allele origin: germline. Affected: yes.
Comment: Not observed at significant frequency in large population cohorts (gnomAD); In silico analysis supports that this missense variant has a deleterious effect on protein structure/function; Has not been previously published as pathogenic or benign to our knowledge

Labcorp Genetics (formerly Invitae), Labcorp
Classification: Uncertain significance. Last evaluated: 2022-10-04. Review status: criteria provided, single submitter. Criteria: Invitae Variant Classification Sherloc (09022015). Collection method: clinical testing. Allele origin: germline.
Comment: This sequence change replaces arginine, which is basic and polar, with histidine, which is basic and polar, at codon 989 of the LRPPRC protein (p.Arg989His). This variant is present in population databases (rs774857058, gnomAD 0.0009%). This variant has not been reported in the literature in individuals affected with LRPPRC-related conditions. ClinVar contains an entry for this variant (Variation ID: 214616). Advanced modeling of protein sequence and biophysical properties (such as structural, functional, and spatial information, amino acid conservation, physicochemical variation, residue mobility, and thermodynamic stability) performed at Invitae indicates that this missense variant is expected to disrupt LRPPRC protein function. In summary, the available evidence is currently insufficient to determine the role of this variant in disease. Therefore, it has been classified as a Variant of Uncertain Significance.

Women's Health and Genetics/Laboratory Corporation of America, LabCorp
Classification: Uncertain significance. Last evaluated: 2022-04-12. Review status: criteria provided, single submitter. Criteria: LabCorp Variant Classification Summary - May 2015. Collection method: clinical testing. Allele origin: germline.
Comment: Variant summary: LRPPRC c.2966G>A (p.Arg989His) results in a non-conservative amino acid change in the encoded protein sequence. Three of five in-silico tools predict a damaging effect of the variant on protein function. The variant allele was found at a frequency of 8e-06 in 251072 control chromosomes (gnomAD). The available data on variant occurrences in the general population are insufficient to allow any conclusion about variant significance. To our knowledge, no occurrence of c.2966G>A in individuals affected with Leigh Syndrome, French-Canadian Type and no experimental evidence demonstrating its impact on protein function have been reported. Two ClinVar submitters (evaluation after 2014) cite the variant as uncertain significance. Based on the evidence outlined above, the variant was classified as uncertain significance.

Illumina Laboratory Services, Illumina
Classification: Uncertain significance for Congenital lactic acidosis, Saguenay-Lac-Saint-Jean type. Last evaluated: 2018-01-13. Review status: criteria provided, single submitter. Criteria: ICSL Variant Classification Criteria 13 December 2019. Collection method: clinical testing. Allele origin: germline.

Counsyl
Classification: Uncertain significance for Congenital lactic acidosis, Saguenay-Lac-Saint-Jean type. Last evaluated: 2017-08-15. Review status: no assertion criteria provided. Collection method: clinical testing. Allele origin: unknown. Not counted in ClinVar's aggregate classification.

NM_133259.4(LRPPRC):c.2966G>A (p.Arg989His)

Gene: LRPPRC (leucine rich pentatricopeptide repeat containing; minus strand). Cytogenetic location: 2p21.
Variant type: single nucleotide variant.
Coding change: c.2966G>A on transcript NM_133259.4 (MANE Select); coding-DNA position 2966, G replaced by A.
Protein change: p.Arg989His; replaces arginine 989 with histidine.
Molecular consequence: missense variant.
Genome position (GRCh38, 1-based): chr2:43,918,329, C>T on the plus strand (G>A on the coding strand, the complement: LRPPRC is on the minus strand). VCF-style: chr2-43918329-C-T. GRCh37 (hg19) VCF-style: chr2-44145468-C-T.
Other names: p.R989H:CGT>CAT; short protein forms R989H.
Identifiers: ClinVar variation 214616 (VCV000214616.10), dbSNP rs774857058, ClinGen allele CA322715.
Genomic context (GRCh38, chr2:43,918,329, plus strand): 5'-AACGGAACTTCCTGGTTACCCTCTCTAAGGATTTCTGCTAATAATCTTAATGTCTTTTCA[C>T]GAGGAATAACATTTTCTTCTTGGATTTTATTCCAGACTGCATCAGCTCTTTGCCAGTCAC-3'
Protein context (NP_573566.2, residues 979-999): NKIQEENVIP[Arg989His]EKTLRLLAEI